The following is an entry in ClinVar:

ClinVar aggregate classification (germline): Uncertain significance. Review status: criteria provided, single submitter (1 of 4 stars). 2 submissions from 1 submitter: Uncertain significance (2). Last evaluated 2021-09-16.

Conditions:
Ectodermal dysplasia 10A, hypohidrotic/hair/nail type, autosomal dominant (ECTD10A). Also called: Ectodermal Dysplasia 3, Anhidrotic. Identifiers: Orphanet 1810, Orphanet 238468, MedGen C3888065, MONDO:0007509, OMIM 129490.
Autosomal recessive hypohidrotic ectodermal dysplasia syndrome. Also called: Autosomal recessive hypohidrotic ectodermal dysplasia. Identifiers: Orphanet 248, MedGen C0406702, MONDO:0016619.
Ectodermal dysplasia 10B, hypohidrotic/hair/tooth type, autosomal recessive. Also called: Ectodermal dysplasia 10B, hypohidrotic/hair/tooth type, autosomal; Ectodermal Dysplasia, Hypohidrotic, Autosomal Recessive. Identifiers: Orphanet 238468, Orphanet 248, MedGen C3887494, MONDO:0009147, OMIM 224900.

Submissions (2):

Labcorp Genetics (formerly Invitae), Labcorp
Classification: Uncertain significance for Ectodermal dysplasia 10A, hypohidrotic/hair/nail type, autosomal dominant; Autosomal recessive hypohidrotic ectodermal dysplasia syndrome. Last evaluated: 2021-09-16. Review status: criteria provided, single submitter. Criteria: Invitae Variant Classification Sherloc (09022015). Collection method: clinical testing. Allele origin: germline.
Comment: A copy number gain of the genomic region encompassing the full coding sequence of the EDAR gene has been identified. The boundaries of this event are unknown as they extend beyond the assayed region for this gene and therefore may encompass additional genes. As the precise location of this event is unknown, it may be in tandem or it may be located elsewhere in the genome. This variant has not been reported in the literature in individuals affected with EDAR-related conditions. Experimental studies and prediction algorithms are not available or were not evaluated, and the functional significance of this variant is currently unknown. In summary, the available evidence is currently insufficient to determine the role of this variant in disease. Therefore, it has been classified as a Variant of Uncertain Significance.

Labcorp Genetics (formerly Invitae), Labcorp
Classification: Uncertain significance for ECTODERMAL DYSPLASIA ANHIDROTIC 03; Autosomal recessive hypohidrotic ectodermal dysplasia syndrome. Last evaluated: 2018-11-07. Review status: criteria provided, single submitter. Criteria: Invitae Variant Classification Sherloc (09022015). Collection method: clinical testing. Allele origin: germline.
Comment: This variant results in a copy number gain of the genomic region encompassing the full coding sequence of the EDAR gene. The boundaries of this event are unknown as they extend beyond the assayed region for this gene and therefore may encompass additional genes. As the precise location of this event is unknown, it may be in tandem or it may be located elsewhere in the genome. This variant has not been reported in the literature in individuals with a EDAR-related disease. Experimental studies are not available for this variant, and the functional significance of a copy number gain of this gene is currently unknown. In summary, the available evidence is currently insufficient to determine the role of this variant in disease. Therefore, it has been classified as a Variant of Uncertain Significance.

NC_000002.11:g.(?_109336043)_(109579739_?)dup

Genes: CCDC138 (coiled-coil domain containing 138; plus strand), EDAR (ectodysplasin A receptor; minus strand), RANBP2 (RAN binding protein 2; plus strand), LOC126806303 (BRD4-independent group 4 enhancer GRCh37_chr2:109573418-109574617; plus strand), LOC129388898 (MPRA-validated peak3812 silencer; plus strand) and 2 more. Cytogenetic location: 2q13.
Variant type: Duplication.
Identifiers: ClinVar variation 655229 (VCV000655229.3).